The following is an entry in ClinVar:

ClinVar aggregate classification (germline): Uncertain significance (1 of 4 stars; one submission).

Conditions:
Progressive familial heart block type IB (PFHB1B). Identifiers: Orphanet 871, MedGen C1970298, MONDO:0011474, OMIM 604559.

Submission:

Labcorp Genetics (formerly Invitae), Labcorp
Classification: Uncertain significance for Progressive familial heart block type IB. Last evaluated: 2025-05-30. Review status: criteria provided, single submitter. Criteria: Invitae Variant Classification Sherloc (09022015). Collection method: clinical testing. Allele origin: germline.
Comment: This sequence change replaces arginine, which is basic and polar, with leucine, which is neutral and non-polar, at codon 1086 of the TRPM4 protein (p.Arg1086Leu). This variant is present in population databases (rs768040848, gnomAD 0.007%). This variant has not been reported in the literature in individuals affected with TRPM4-related conditions. ClinVar contains an entry for this variant (Variation ID: 3724506). An algorithm developed to predict the effect of missense changes on protein structure and function (PolyPhen-2) suggests that this variant is likely to be tolerated. In summary, the available evidence is currently insufficient to determine the role of this variant in disease. Therefore, it has been classified as a Variant of Uncertain Significance.

NM_017636.4(TRPM4):c.3257G>T (p.Arg1086Leu)

Gene: TRPM4 (transient receptor potential cation channel subfamily M member 4; plus strand). Cytogenetic location: 19q13.33.
Variant type: single nucleotide variant.
Coding change: c.3257G>T on transcript NM_017636.4 (MANE Select); coding-DNA position 3257, G replaced by T.
Protein change: p.Arg1086Leu; replaces arginine 1086 with leucine.
Molecular consequence: missense variant.
Genome position (GRCh38, 1-based): chr19:49,210,334, G>T. VCF-style: chr19-49210334-G-T. GRCh37 (hg19) VCF-style: chr19-49713591-G-T.
Other names: c.2822G>T, p.Arg941Leu (NM_001195227.2); c.2912G>T, p.Arg971Leu (NM_001321281.2); c.1649G>T, p.Arg550Leu (NM_001321282.2); c.2735G>T, p.Arg912Leu (NM_001321283.2); c.2195G>T, p.Arg732Leu (NM_001321285.2); short protein forms R550L, R732L, R941L, R912L, R971L, R1086L.
Identifiers: ClinVar variation 3724506 (VCV003724506.2).